The following is an entry in ClinVar:

ClinVar aggregate classification (germline): Uncertain significance (1 of 4 stars; one submission).

Conditions:
Cardiovascular phenotype. Identifiers: MedGen CN230736.

gnomAD v4.1: 2 of 1,612,386 alleles (0.00012%); highest among the groups gnomAD compares: Non-Finnish European, 0.00017%; no homozygotes.

Submission:

Ambry Genetics
Classification: Uncertain significance for Cardiovascular phenotype. Last evaluated: 2025-06-09. Review status: criteria provided, single submitter. Criteria: Ambry Variant Classification Scheme 2023. Collection method: clinical testing. Allele origin: germline.
Comment: The p.L2726V variant (also known as c.8176C>G), located in coding exon 23 of the TNXB gene, results from a C to G substitution at nucleotide position 8176. The leucine at codon 2726 is replaced by valine, an amino acid with highly similar properties. This amino acid position is conserved. In addition, this alteration is predicted to be tolerated by in silico analysis. Based on the available evidence, the clinical significance of this variant remains unclear.

NM_001365276.2(TNXB):c.8176C>G (p.Leu2726Val)

Gene: TNXB (tenascin XB; minus strand). Cytogenetic location: 6p21.33.
Variant type: single nucleotide variant.
Coding change: c.8176C>G on transcript NM_001365276.2 (MANE Select); coding-DNA position 8176, C replaced by G.
Protein change: p.Leu2726Val; replaces leucine 2726 with valine.
Molecular consequence: missense variant.
Genome position (GRCh38, 1-based): chr6:32,056,142, G>C on the plus strand (C>G on the coding strand, the complement: TNXB is on the minus strand). VCF-style: chr6-32056142-G-C. GRCh37 (hg19) VCF-style: chr6-32023919-G-C.
Other names: c.8917C>G, p.Leu2973Val (NM_001428335.1); c.8176C>G, p.Leu2726Val (NM_019105.8); short protein forms L2726V, L2973V.
Identifiers: ClinVar variation 3972053 (VCV003972053.1).